The following is an entry in ClinVar:

NM_004304.5(ALK):c.1900T>G (p.Cys634Gly)

Gene: ALK (ALK receptor tyrosine kinase; minus strand). Cytogenetic location: 2p23.2.
Variant type: single nucleotide variant.
Coding change: c.1900T>G on transcript NM_004304.5 (MANE Select); coding-DNA position 1900, T replaced by G.
Protein change: p.Cys634Gly; replaces cysteine 634 with glycine.
Molecular consequence: missense variant.
Genome position (GRCh38, 1-based): chr2:29,275,414, A>C on the plus strand (T>G on the coding strand, the complement: ALK is on the minus strand). VCF-style: chr2-29275414-A-C. GRCh37 (hg19) VCF-style: chr2-29498280-A-C.
Other names: short protein forms C634G.
Identifiers: ClinVar variation 4671930 (VCV004671930.1).

ClinVar aggregate classification (germline): Uncertain significance (1 of 4 stars; one submission).

Conditions:
Hereditary cancer-predisposing syndrome. Also called: Neoplastic Syndromes, Hereditary; Tumor predisposition; Hereditary Cancer Syndrome; Hereditary neoplastic syndrome. Identifiers: Orphanet 140162, MedGen C0027672, MeSH D009386, MONDO:0015356.

Submission:

Ambry Genetics
Classification: Uncertain significance for Hereditary cancer-predisposing syndrome. Last evaluated: 2025-09-23. Review status: criteria provided, single submitter. Criteria: Ambry Variant Classification Scheme 2023. Collection method: clinical testing. Allele origin: germline.
Comment: The p.C634G variant (also known as c.1900T>G), located in coding exon 10 of the ALK gene, results from a T to G substitution at nucleotide position 1900. The cysteine at codon 634 is replaced by glycine, an amino acid with highly dissimilar properties. This amino acid position is highly conserved in available vertebrate species. In addition, the in silico prediction for this alteration is inconclusive. Based on the available evidence, the clinical significance of this variant remains unclear.